The following is an entry in ClinVar:

NM_006892.4(DNMT3B):c.1598A>G (p.His533Arg)

Genes: DNMT3B (DNA methyltransferase 3 beta; plus strand), LOC126863014 (CDK7 strongly-dependent group 2 enhancer GRCh37_chr20:31385992-31387191; plus strand). Cytogenetic location: 20q11.21.
Variant type: single nucleotide variant.
Coding change: c.1598A>G on transcript NM_006892.4 (MANE Select); coding-DNA position 1598, A replaced by G.
Protein change: p.His533Arg; replaces histidine 533 with arginine.
Molecular consequence: missense variant.
Genome position (GRCh38, 1-based): chr20:32,798,567, A>G. VCF-style: chr20-32798567-A-G. GRCh37 (hg19) VCF-style: chr20-31386373-A-G.
Other names: c.1412A>G, p.His471Arg (NM_001207055.2); c.1310A>G, p.His437Arg (NM_001207056.2); c.1538A>G, p.His513Arg (NM_175848.2, NM_175849.2); c.1574A>G, p.His525Arg (NM_175850.3); short protein forms H437R, H525R, H533R, H471R, H513R.
Identifiers: ClinVar variation 640645 (VCV000640645.7), dbSNP rs1601121318, ClinGen allele CA408587119.

ClinVar aggregate classification (germline): Uncertain significance (1 of 4 stars; one submission).

Conditions:
Centromeric instability of chromosomes 1,9 and 16 and immunodeficiency (ICF1). Also called: Immunodeficiency-centromeric instability-facial anomalies; IMMUNE DEFICIENCY, VARIABLE, WITH CENTROMERIC INSTABILITY OF CHROMOSOMES 1, 9, AND 16; IMMUNODEFICIENCY SYNDROME, VARIABLE; CENTROMERIC INSTABILITY, IMMUNODEFICIENCY SYNDROME. Identifiers: Orphanet 2268, MedGen C0398788, MONDO:0000133.

Submission:

Labcorp Genetics (formerly Invitae), Labcorp
Classification: Uncertain significance for Centromeric instability of chromosomes 1,9 and 16 and immunodeficiency. Last evaluated: 2024-06-25. Review status: criteria provided, single submitter. Criteria: Invitae Variant Classification Sherloc (09022015). Collection method: clinical testing. Allele origin: germline.
Comment: This sequence change replaces histidine, which is basic and polar, with arginine, which is basic and polar, at codon 533 of the DNMT3B protein (p.His533Arg). This variant is not present in population databases (gnomAD no frequency). This variant has not been reported in the literature in individuals affected with DNMT3B-related conditions. ClinVar contains an entry for this variant (Variation ID: 640645). Advanced modeling of protein sequence and biophysical properties (such as structural, functional, and spatial information, amino acid conservation, physicochemical variation, residue mobility, and thermodynamic stability) performed at Invitae indicates that this missense variant is not expected to disrupt DNMT3B protein function with a negative predictive value of 80%. In summary, the available evidence is currently insufficient to determine the role of this variant in disease. Therefore, it has been classified as a Variant of Uncertain Significance.